The following is an entry in ClinVar:

ClinVar aggregate classification (germline): Uncertain significance (1 of 4 stars; one submission).

gnomAD v4.1: 74 of 1,613,838 alleles (0.0046%); highest among the groups gnomAD compares: African/African-American, 0.091%; no homozygotes.

Submission:

GeneDx
Classification: Uncertain significance. Last evaluated: 2025-05-14. Review status: criteria provided, single submitter. Criteria: GeneDx Variant Classification Process June 2021. Collection method: clinical testing. Allele origin: germline. Affected: yes.
Comment: In silico analysis suggests that this missense variant does not alter protein structure/function; Has not been previously published as pathogenic or benign to our knowledge

NM_001378743.1(CYLD):c.1192T>G (p.Ser398Ala)

Gene: CYLD (CYLD lysine 63 deubiquitinase; plus strand). Cytogenetic location: 16q12.1.
Variant type: single nucleotide variant.
Coding change: c.1192T>G on transcript NM_001378743.1 (MANE Select); coding-DNA position 1192, T replaced by G.
Protein change: p.Ser398Ala; replaces serine 398 with alanine.
Molecular consequence: missense variant. On other transcripts: non-coding transcript variant (1).
Genome position (GRCh38, 1-based): chr16:50,779,718, T>G. VCF-style: chr16-50779718-T-G. GRCh37 (hg19) VCF-style: chr16-50813629-T-G.
Other names: c.1183T>G, p.Ser395Ala (NM_001042355.2, NM_001042412.3, NM_001378744.1 and 6 more transcripts); c.1153T>G, p.Ser385Ala (NM_001378751.1, NM_001378752.1, NM_001378753.1); c.517T>G, p.Ser173Ala (NM_001378754.1, NM_001378755.1); c.1192T>G, p.Ser398Ala (NM_015247.3); short protein forms S173A, S385A, S395A, S398A.
Identifiers: ClinVar variation 4529671 (VCV004529671.1).